The following is an entry in ClinVar:

ClinVar aggregate classification (germline): Benign/Likely benign. Review status: criteria provided, multiple submitters, no conflicts (2 of 4 stars). 5 submissions from 5 submitters: Benign (3); Likely benign (1). 1 of the submissions does not count toward it. Last evaluated 2024-11-13.

Conditions:
Cataract 6 multiple types. Also called: CATARACT 6, POSTERIOR POLAR; CATARACT 6, CONGENITAL TOTAL; CATARACT, AGE-RELATED CORTICAL, 2. Identifiers: Orphanet 91492, MedGen C1861825, MONDO:0007288, OMIM 116600.
EPHA2-related disorder. Also called: EPHA2-related condition.

Allele frequency attached by ClinVar (database versions not stated): 1000 Genomes Project 30x 0.00203; TOPMed 0.00238; gnomAD 0.00255; 1000 Genomes Project 0.00260; ESP Exome Variant Server 0.00277.
gnomAD v4.1: 1,309 of 1,614,062 alleles (0.081%); highest among the groups gnomAD compares: African/African-American, 0.69%; 9 homozygotes.

Submissions (11):

Labcorp Genetics (formerly Invitae), Labcorp
Classification: Benign for Cataract 6 multiple types. Last evaluated: 2024-11-13. Review status: criteria provided, single submitter. Criteria: Invitae Variant Classification Sherloc (09022015). Collection method: clinical testing. Allele origin: germline.

Fulgent Genetics
Classification: Likely benign for Cataract 6 multiple types. Last evaluated: 2021-07-15. Review status: criteria provided, single submitter. Criteria: ACMG Guidelines, 2015. Collection method: clinical testing. Allele origin: unknown.

Illumina Laboratory Services, Illumina
Classification: Benign for Cataract 6 multiple types. Last evaluated: 2018-01-13. Review status: criteria provided, single submitter. Criteria: ICSL Variant Classification Criteria 13 December 2019. Collection method: clinical testing. Allele origin: germline.
Comment: This variant was observed in the ICSL laboratory as part of a predisposition screen in an ostensibly healthy population. It had not been previously curated by ICSL or reported in the Human Gene Mutation Database (HGMD: prior to June 1st, 2018), and was therefore a candidate for classification through an automated scoring system. Utilizing variant allele frequency, disease prevalence and penetrance estimates, and inheritance mode, an automated score was calculated to assess if this variant is too frequent to cause the disease. Based on the score and internal cut-off values, a variant classified as benign is not then subjected to further curation. The score for this variant resulted in a classification of benign for this disease.

Breakthrough Genomics
Classification: Benign. Review status: criteria provided, single submitter. Criteria: ACMG Guidelines, 2015. Collection method: not provided. Allele origin: germline. Inheritance: Autosomal dominant inheritance. Affected: yes.

PreventionGenetics, part of Exact Sciences
Classification: Benign for EPHA2-related condition. Last evaluated: 2019-06-10. Review status: no assertion criteria provided. Collection method: clinical testing. Allele origin: germline. Not counted in ClinVar's aggregate classification.
Comment: This variant is classified as benign based on ACMG/AMP sequence variant interpretation guidelines (Richards et al. 2015 PMID: 25741868, with internal and published modifications).

Dr. Peter K. Rogan Lab, Western University
No classification provided (evidence only). Condition: Clear cell carcinoma of kidney. Review status: no classification provided. Collection method: in vitro. Allele origin: not applicable. Functional consequence: retained intron. Not counted in ClinVar's aggregate classification.

Dr. Peter K. Rogan Lab, Western University
No classification provided (evidence only). Condition: Clear cell carcinoma of kidney. Review status: no classification provided. Collection method: in vitro. Allele origin: not applicable. Functional consequence: retained intron. Not counted in ClinVar's aggregate classification.

Dr. Peter K. Rogan Lab, Western University
No classification provided (evidence only). Condition: Lung cancer. Review status: no classification provided. Collection method: in vitro. Allele origin: not applicable. Functional consequence: skipped exon. Not counted in ClinVar's aggregate classification.

Dr. Peter K. Rogan Lab, Western University
No classification provided (evidence only). Condition: Familial cancer of breast. Review status: no classification provided. Collection method: in vitro. Allele origin: not applicable. Functional consequence: retained intron. Not counted in ClinVar's aggregate classification.

Dr. Peter K. Rogan Lab, Western University
No classification provided (evidence only). Condition: Sarcoma. Review status: no classification provided. Collection method: in vitro. Allele origin: not applicable. Functional consequence: retained intron. Not counted in ClinVar's aggregate classification.

Dr. Peter K. Rogan Lab, Western University
No classification provided (evidence only). Condition: Ovarian serous cystadenocarcinoma. Review status: no classification provided. Collection method: in vitro. Allele origin: not applicable. Functional consequence: retained intron. Not counted in ClinVar's aggregate classification.

NM_004431.5(EPHA2):c.2374C>A (p.Arg792=)

Gene: EPHA2 (EPH receptor A2; minus strand). Cytogenetic location: 1p36.13.
Variant type: single nucleotide variant.
Coding change: c.2374C>A on transcript NM_004431.5 (MANE Select); coding-DNA position 2374, C replaced by A.
Protein change: p.Arg792=; no amino-acid change (arginine 792 retained).
Molecular consequence: synonymous variant.
Genome position (GRCh38, 1-based): chr1:16,131,822, G>T on the plus strand (C>A on the coding strand, the complement: EPHA2 is on the minus strand). VCF-style: chr1-16131822-G-T. GRCh37 (hg19) VCF-style: chr1-16458317-G-T.
Other names: c.2212C>A, p.Arg738= (NM_001329090.2).
Identifiers: ClinVar variation 293411 (VCV000293411.20), dbSNP rs55869078, ClinGen allele CA624840.